The following is an entry in ClinVar:

ClinVar aggregate classification (germline): Conflicting classifications of pathogenicity. Review status: criteria provided, conflicting classifications (1 of 4 stars). 2 submissions from 2 submitters: Uncertain significance (1); Likely benign (1). Last evaluated 2023-03-23.

Conditions:
Hereditary breast ovarian cancer syndrome. Also called: Hereditary breast and ovarian cancer syndrome (HBOC); BRCA1- and BRCA2-Associated Hereditary Breast and Ovarian Cancer; Hereditary breast and ovarian cancer syndrome; Breast and ovarian cancer; Hereditary breast and ovarian cancer; Hereditary breast and/or ovarian cancer syndrome. Identifiers: Orphanet 145, MedGen C0677776, MeSH D061325, MONDO:0003582. Disease mechanism: loss of function.
Hereditary cancer-predisposing syndrome. Also called: Hereditary neoplastic syndrome; Neoplastic Syndromes, Hereditary; Tumor predisposition; Hereditary Cancer Syndrome. Identifiers: Orphanet 140162, MedGen C0027672, MeSH D009386, MONDO:0015356.

Submissions (2):

University of Washington Department of Laboratory Medicine, University of Washington
Classification: Likely benign for Hereditary cancer-predisposing syndrome. Last evaluated: 2023-03-23. Review status: criteria provided, single submitter. Criteria: Dines et al. (Genet Med. 2020). Collection method: curation. Allele origin: germline.
Comment: Missense variant in a coldspot region where missense variants are very unlikely to be pathogenic (PMID:31911673).

BRCA2 exon 11 coldspot. Reclassification based on statistical prior probability.

Labcorp Genetics (formerly Invitae), Labcorp
Classification: Uncertain significance for Hereditary breast ovarian cancer syndrome. Last evaluated: 2021-03-13. Review status: criteria provided, single submitter. Criteria: Invitae Variant Classification Sherloc (09022015). Collection method: clinical testing. Allele origin: germline.
Comment: In summary, the available evidence is currently insufficient to determine the role of this variant in disease. Therefore, it has been classified as a Variant of Uncertain Significance. Advanced modeling of protein sequence and biophysical properties (such as structural, functional, and spatial information, amino acid conservation, physicochemical variation, residue mobility, and thermodynamic stability) performed at Invitae indicates that this missense variant is not expected to disrupt BRCA2 protein function. This variant has not been reported in the literature in individuals with BRCA2-related conditions. ClinVar contains an entry for this variant (Variation ID: 531430). This variant is not present in population databases (ExAC no frequency). This sequence change replaces alanine with aspartic acid at codon 823 of the BRCA2 protein (p.Ala823Asp). The alanine residue is weakly conserved and there is a moderate physicochemical difference between alanine and aspartic acid.

NM_000059.4(BRCA2):c.2468C>A (p.Ala823Asp)

Gene: BRCA2 (BRCA2 DNA repair associated; plus strand). Cytogenetic location: 13q13.1.
Variant type: single nucleotide variant.
Coding change: c.2468C>A on transcript NM_000059.4 (MANE Select); coding-DNA position 2468, C replaced by A.
Protein change: p.Ala823Asp; replaces alanine 823 with aspartic acid.
Molecular consequence: missense variant.
Genome position (GRCh38, 1-based): chr13:32,336,823, C>A. VCF-style: chr13-32336823-C-A. GRCh37 (hg19) VCF-style: chr13-32910960-C-A.
Other names: short protein forms A823D.
Identifiers: ClinVar variation 531430 (VCV000531430.10), dbSNP rs1555282694, ClinGen allele CA387772354.